The following is an entry in ClinVar:

NM_173354.5(SIK1):c.1295G>A (p.Arg432Gln)

Gene: SIK1 (salt inducible kinase 1; minus strand). Cytogenetic location: 21q22.3.
Variant type: single nucleotide variant.
Coding change: c.1295G>A on transcript NM_173354.5 (MANE Select); coding-DNA position 1295, G replaced by A.
Protein change: p.Arg432Gln; replaces arginine 432 with glutamine.
Molecular consequence: missense variant.
Genome position (GRCh38, 1-based): chr21:43,419,188, C>T on the plus strand (G>A on the coding strand, the complement: SIK1 is on the minus strand). VCF-style: chr21-43419188-C-T. GRCh37 (hg19) VCF-style: chr21-44839068-C-T.
Other names: short protein forms R432Q.
Identifiers: ClinVar variation 1039086 (VCV001039086.22), dbSNP rs778947480, ClinGen allele CA321325918.

ClinVar aggregate classification (germline): Uncertain significance. Review status: criteria provided, multiple submitters, no conflicts (2 of 4 stars). 2 submissions from 2 submitters: Uncertain significance (2). Last evaluated 2025-02-01.

Conditions:
Developmental and epileptic encephalopathy, 30 (DEE30). Also called: Epileptic encephalopathy, early infantile, 30. Identifiers: MedGen C4225360, MONDO:0014595, OMIM 616341.

Allele frequency attached by ClinVar (database versions not stated): gnomAD exomes 0.00002; ExAC 0.00004.

Submissions (2):

CeGaT Center for Human Genetics Tuebingen
Classification: Uncertain significance. Last evaluated: 2025-02-01. Review status: criteria provided, single submitter. Criteria: CeGaT Center For Human Genetics Tuebingen Variant Classification Criteria Version 2. Collection method: clinical testing. Allele origin: germline. Affected: yes. Observed: 1 variant allele.
Comment: SIK1: PM2, BP4

Labcorp Genetics (formerly Invitae), Labcorp
Classification: Uncertain significance for Developmental and epileptic encephalopathy, 30. Last evaluated: 2023-04-23. Review status: criteria provided, single submitter. Criteria: Invitae Variant Classification Sherloc (09022015). Collection method: clinical testing. Allele origin: germline.
Comment: In summary, the available evidence is currently insufficient to determine the role of this variant in disease. Therefore, it has been classified as a Variant of Uncertain Significance. Advanced modeling of protein sequence and biophysical properties (such as structural, functional, and spatial information, amino acid conservation, physicochemical variation, residue mobility, and thermodynamic stability) performed at Invitae indicates that this missense variant is not expected to disrupt SIK1 protein function. ClinVar contains an entry for this variant (Variation ID: 1039086). This variant has not been reported in the literature in individuals affected with SIK1-related conditions. The frequency data for this variant in the population databases is considered unreliable, as metrics indicate poor data quality at this position in the gnomAD database. This sequence change replaces arginine, which is basic and polar, with glutamine, which is neutral and polar, at codon 432 of the SIK1 protein (p.Arg432Gln).